The following is an entry in ClinVar:

ClinVar aggregate classification (germline): Uncertain significance (1 of 4 stars; one submission).

Conditions:
Familial focal epilepsy with variable foci (FPEVF). Identifiers: Orphanet 98820, MedGen C1858477, MONDO:0020310.

Allele frequency attached by ClinVar (database versions not stated): ExAC 0.00004; gnomAD 0.00004; gnomAD exomes 0.00004; TOPMed 0.00004; ESP Exome Variant Server 0.00008.
gnomAD v4.1: 67 of 1,613,964 alleles (0.0042%); highest among the groups gnomAD compares: Middle Eastern, 0.016%; no homozygotes.

Submission:

Labcorp Genetics (formerly Invitae), Labcorp
Classification: Uncertain significance for Familial focal epilepsy with variable foci. Last evaluated: 2025-12-09. Review status: criteria provided, single submitter. Criteria: Invitae Variant Classification Sherloc (09022015). Collection method: clinical testing. Allele origin: germline.
Comment: This sequence change replaces proline, which is neutral and non-polar, with leucine, which is neutral and non-polar, at codon 827 of the DEPDC5 protein (p.Pro827Leu). This variant is present in population databases (rs374719445, gnomAD 0.02%). This variant has not been reported in the literature in individuals affected with DEPDC5-related conditions. ClinVar contains an entry for this variant (Variation ID: 1350247). Experimental studies and prediction algorithms are not available or were not evaluated, and the functional significance of this variant is currently unknown. In summary, the available evidence is currently insufficient to determine the role of this variant in disease. Therefore, it has been classified as a Variant of Uncertain Significance.

NM_001242896.3(DEPDC5):c.2480C>T (p.Pro827Leu)

Gene: DEPDC5 (DEP domain containing 5, GATOR1 subcomplex subunit; plus strand). Cytogenetic location: 22q12.3.
Variant type: single nucleotide variant.
Coding change: c.2480C>T on transcript NM_001242896.3 (MANE Select); coding-DNA position 2480, C replaced by T.
Protein change: p.Pro827Leu; replaces proline 827 with leucine.
Molecular consequence: missense variant. On other transcripts: non-coding transcript variant (5).
Genome position (GRCh38, 1-based): chr22:31,838,810, C>T. VCF-style: chr22-31838810-C-T. GRCh37 (hg19) VCF-style: chr22-32234796-C-T.
Other names: c.2453C>T, p.Pro818Leu (NM_001136029.4, NM_001369903.1, NM_014662.6); c.2246C>T, p.Pro749Leu (NM_001242897.2, NM_001363854.2, NM_001364319.2); c.2480C>T, p.Pro827Leu (NM_001363852.2, NM_001364318.2, NM_001364320.2); c.2396C>T, p.Pro799Leu (NM_001369901.1, NM_001369902.1); short protein forms P799L, P827L, P749L, P818L.
Identifiers: ClinVar variation 1350247 (VCV001350247.6), dbSNP rs374719445, ClinGen allele CA10196722.
Genomic context (GRCh38, chr22:31,838,810, plus strand): 5'-TCATGCAGGGCTACCAAATCATAGTGCAGCCCAAGACACAGAAACCCAATCCTGCTGTCC[C>T]GCCCCCGCTGAGCAGTAGCCCACTCTATAGCCGAGGTGAGTTTTTCTCCTTGGATTTCTA-3'
Protein context (NP_001229825.1, residues 817-837): PKTQKPNPAV[Pro827Leu]PPLSSSPLYS